The following is an entry in ClinVar:

ClinVar aggregate classification (germline): Uncertain significance. Review status: criteria provided, multiple submitters, no conflicts (2 of 4 stars). 3 submissions from 3 submitters: Uncertain significance (3). Last evaluated 2025-10-25.

Conditions:
Hereditary cancer-predisposing syndrome. Also called: Tumor predisposition; Hereditary neoplastic syndrome; Neoplastic Syndromes, Hereditary; Hereditary Cancer Syndrome. Identifiers: Orphanet 140162, MedGen C0027672, MeSH D009386, MONDO:0015356.
Polyps, multiple and recurrent inflammatory fibroid, gastrointestinal. Identifiers: MedGen C5193005, MONDO:0008285, OMIM 175510.
Gastrointestinal stromal tumor. Also called: Gastrointestinal stroma tumor; Gastrointestinal stromal tumor, somatic. Identifiers: Orphanet 44890, MedGen C0238198, MeSH D046152, MONDO:0011719, OMIM 606764, HP:0100723.

Allele frequency attached by ClinVar (database versions not stated): gnomAD exomes below 0.00001.
gnomAD v4.1: 2 of 1,613,220 alleles (0.00012%); highest among the groups gnomAD compares: Non-Finnish European, 0.00017%; no homozygotes.

Submissions (3):

Ambry Genetics
Classification: Uncertain significance for Hereditary cancer-predisposing syndrome. Last evaluated: 2025-10-25. Review status: criteria provided, single submitter. Criteria: Ambry Variant Classification Scheme 2023. Collection method: clinical testing. Allele origin: germline.
Comment: The p.D983Y variant (also known as c.2947G>T), located in coding exon 21 of the PDGFRA gene, results from a G to T substitution at nucleotide position 2947. The aspartic acid at codon 983 is replaced by tyrosine, an amino acid with highly dissimilar properties. This amino acid position is conserved. In addition, the in silico prediction for this alteration is inconclusive. Since supporting evidence is limited at this time, the clinical significance of this alteration remains unclear.

Labcorp Genetics (formerly Invitae), Labcorp
Classification: Uncertain significance for Gastrointestinal stromal tumor. Last evaluated: 2025-10-23. Review status: criteria provided, single submitter. Criteria: Invitae Variant Classification Sherloc (09022015). Collection method: clinical testing. Allele origin: germline.
Comment: This sequence change replaces aspartic acid, which is acidic and polar, with tyrosine, which is neutral and polar, at codon 983 of the PDGFRA protein (p.Asp983Tyr). This variant is not present in population databases (gnomAD no frequency). This variant has not been reported in the literature in individuals affected with PDGFRA-related conditions. ClinVar contains an entry for this variant (Variation ID: 459077). Invitae Evidence Modeling of protein sequence and biophysical properties (such as structural, functional, and spatial information, amino acid conservation, physicochemical variation, residue mobility, and thermodynamic stability) indicates that this missense variant is not expected to disrupt PDGFRA protein function with a negative predictive value of 80%. In summary, the available evidence is currently insufficient to determine the role of this variant in disease. Therefore, it has been classified as a Variant of Uncertain Significance.

Baylor Genetics
Classification: Uncertain significance for Polyps, multiple and recurrent inflammatory fibroid, gastrointestinal. Last evaluated: 2024-02-27. Review status: criteria provided, single submitter. Criteria: ACMG Guidelines, 2015. Collection method: clinical testing. Allele origin: unknown.

NM_006206.6(PDGFRA):c.2947G>T (p.Asp983Tyr)

Gene: PDGFRA (platelet derived growth factor receptor alpha; plus strand). Cytogenetic location: 4q12.
Variant type: single nucleotide variant.
Coding change: c.2947G>T on transcript NM_006206.6 (MANE Select); coding-DNA position 2947, G replaced by T.
Protein change: p.Asp983Tyr; replaces aspartic acid 983 with tyrosine.
Molecular consequence: missense variant.
Genome position (GRCh38, 1-based): chr4:54,290,379, G>T. VCF-style: chr4-54290379-G-T. GRCh37 (hg19) VCF-style: chr4-55156546-G-T.
Other names: c.3022G>T, p.Asp1008Tyr (NM_001347828.2); c.2947G>T, p.Asp983Tyr (NM_001347829.2); c.2986G>T, p.Asp996Tyr (NM_001347830.2); short protein forms D983Y, D1008Y, D996Y.
Identifiers: ClinVar variation 459077 (VCV000459077.14), dbSNP rs1553906632, ClinGen allele CA356896047.